The following is an entry in ClinVar:

ClinVar aggregate classification (germline): Uncertain significance (1 of 4 stars; one submission).

Allele frequency attached by ClinVar (database versions not stated): gnomAD 0.00001.
gnomAD v4.1: 2 of 1,612,898 alleles (0.00012%); highest among the groups gnomAD compares: African/African-American, 0.0027%; no homozygotes.

Submission:

Labcorp Genetics (formerly Invitae), Labcorp
Classification: Uncertain significance. Last evaluated: 2022-06-13. Review status: criteria provided, single submitter. Criteria: Invitae Variant Classification Sherloc (09022015). Collection method: clinical testing. Allele origin: germline.
Comment: In summary, the available evidence is currently insufficient to determine the role of this variant in disease. Therefore, it has been classified as a Variant of Uncertain Significance. Algorithms developed to predict the effect of missense changes on protein structure and function (SIFT, PolyPhen-2, Align-GVGD) all suggest that this variant is likely to be tolerated. This variant has not been reported in the literature in individuals affected with ATF6-related conditions. This variant is not present in population databases (gnomAD no frequency). This sequence change replaces proline, which is neutral and non-polar, with histidine, which is basic and polar, at codon 90 of the ATF6 protein (p.Pro90His).

NM_007348.4(ATF6):c.269C>A (p.Pro90His)

Gene: ATF6 (activating transcription factor 6; plus strand). Cytogenetic location: 1q23.3.
Variant type: single nucleotide variant.
Coding change: c.269C>A on transcript NM_007348.4 (MANE Select); coding-DNA position 269, C replaced by A.
Protein change: p.Pro90His; replaces proline 90 with histidine.
Molecular consequence: missense variant.
Genome position (GRCh38, 1-based): chr1:161,784,011, C>A. VCF-style: chr1-161784011-C-A. GRCh37 (hg19) VCF-style: chr1-161753801-C-A.
Other names: short protein forms P90H.
Identifiers: ClinVar variation 1502624 (VCV001502624.8), dbSNP rs1457699115, ClinGen allele CA343385176.